The following is an entry in ClinVar:

ClinVar aggregate classification (germline): Uncertain significance (1 of 4 stars; one submission).

Submission:

Labcorp Genetics (formerly Invitae), Labcorp
Classification: Uncertain significance. Last evaluated: 2025-03-29. Review status: criteria provided, single submitter. Criteria: Invitae Variant Classification Sherloc (09022015). Collection method: clinical testing. Allele origin: germline.
Comment: This sequence change replaces alanine, which is neutral and non-polar, with valine, which is neutral and non-polar, at codon 1119 of the ADCY1 protein (p.Ala1119Val). This variant is not present in population databases (gnomAD no frequency). This variant has not been reported in the literature in individuals affected with ADCY1-related conditions. An algorithm developed to predict the effect of missense changes on protein structure and function (PolyPhen-2) suggests that this variant is likely to be tolerated. In summary, the available evidence is currently insufficient to determine the role of this variant in disease. Therefore, it has been classified as a Variant of Uncertain Significance.

NM_021116.4(ADCY1):c.3356C>T (p.Ala1119Val)

Gene: ADCY1 (adenylate cyclase 1; plus strand). Cytogenetic location: 7p12.3.
Variant type: single nucleotide variant.
Coding change: c.3356C>T on transcript NM_021116.4 (MANE Select); coding-DNA position 3356, C replaced by T.
Protein change: p.Ala1119Val; replaces alanine 1119 with valine.
Molecular consequence: missense variant.
Genome position (GRCh38, 1-based): chr7:45,713,991, C>T. VCF-style: chr7-45713991-C-T. GRCh37 (hg19) VCF-style: chr7-45753590-C-T.
Other names: short protein forms A1119V.
Identifiers: ClinVar variation 4715777 (VCV004715777.1).
Genomic context (GRCh38, chr7:45,713,991, plus strand): 5'-CTGGGCTCCCTCCACACTCCCCAGGCCAGTACCTGCCCTCTGCAGCAGCTGGGAAGGAGG[C>T]TTAGTGGAGCCCACGTGGGCCTCTGGGGTGCACATGGGGTGGGAATGCTCCGGGGGTGAC-3'
Protein context (NP_066939.1, residues 1109-1119): YLPSAAAGKE[Ala1119Val]